The following is an entry in ClinVar:

NM_000016.6(ACADM):c.232A>G (p.Ile78Val)

Gene: ACADM (acyl-CoA dehydrogenase medium chain; plus strand). Cytogenetic location: 1p31.1.
Variant type: single nucleotide variant.
Coding change: c.232A>G on transcript NM_000016.6 (MANE Select); coding-DNA position 232, A replaced by G.
Protein change: p.Ile78Val; replaces isoleucine 78 with valine.
Molecular consequence: missense variant. On other transcripts: 5 prime UTR variant (1).
Genome position (GRCh38, 1-based): chr1:75,732,868, A>G. VCF-style: chr1-75732868-A-G. GRCh37 (hg19) VCF-style: chr1-76198553-A-G.
Other names: c.244A>G, p.Ile82Val (NM_001127328.3); c.124A>G, p.Ile42Val (NM_001286042.2); c.232A>G, p.Ile78Val (NM_001286043.2); c.-154A>G (NM_001286044.2); short protein forms I42V, I78V, I82V.
Identifiers: ClinVar variation 1067602 (VCV001067602.9), dbSNP rs2100363487, ClinGen allele CA340809823.
Genomic context (GRCh38, chr1:75,732,868, plus strand): 5'-ATCTGGATTTCAAAATATATTTTAACTCAGTTCTTTTTCTTCTAGTATCCAGTCCCCCTA[A>G]TTAGAAGAGCCTGGGAACTTGGTTTAATGAACACACACATTCCAGAGAACTGTGGTAAGC-3'
Protein context (NP_000007.1, residues 68-88): DKTGEYPVPL[Ile78Val]RRAWELGLMN

ClinVar aggregate classification (germline): Likely pathogenic (1 of 4 stars; one submission).

Conditions:
Medium-chain acyl-coenzyme A dehydrogenase deficiency (ACADMD). Also called: MCADH DEFICIENCY; MCADD; MCAD Deficiency; ACADM DEFICIENCY; CARNITINE DEFICIENCY SECONDARY TO MEDIUM-CHAIN ACYL-CoA DEHYDROGENASE DEFICIENCY; Medium chain acyl-CoA dehydrogenase deficiency. Identifiers: Orphanet 42, MedGen C0220710, MONDO:0008721, OMIM 201450.

Submission:

Labcorp Genetics (formerly Invitae), Labcorp
Classification: Likely pathogenic for Medium-chain acyl-coenzyme A dehydrogenase deficiency. Last evaluated: 2020-10-02. Review status: criteria provided, single submitter. Criteria: Invitae Variant Classification Sherloc (09022015). Collection method: clinical testing. Allele origin: germline.
Comment: In summary, the currently available evidence indicates that the variant is pathogenic, but additional data are needed to prove that conclusively. Therefore, this variant has been classified as Likely Pathogenic. This variant disrupts the p.Ile78 amino acid residue in ACADM. Other variant(s) that disrupt this residue have been determined to be pathogenic (PMID: 24623196, 22630369). This suggests that this residue is clinically significant, and that variants that disrupt this residue are likely to be disease-causing. Advanced modeling of protein sequence and biophysical properties (such as structural, functional, and spatial information, amino acid conservation, physicochemical variation, residue mobility, and thermodynamic stability) performed at Invitae indicates that this missense variant is expected to disrupt ACADM protein function. This variant has not been reported in the literature in individuals with ACADM-related conditions. This variant is not present in population databases (ExAC no frequency). This sequence change replaces isoleucine with valine at codon 78 of the ACADM protein (p.Ile78Val). The isoleucine residue is highly conserved and there is a small physicochemical difference between isoleucine and valine.

Literature cited by the submitters: PubMed 24623196; PubMed 22630369.